The following is an entry in ClinVar:

ClinVar aggregate classification (germline): Likely benign. Review status: criteria provided, single submitter (1 of 4 stars). 2 submissions from 2 submitters: Likely benign (1). 1 of the submissions does not count toward it. Last evaluated 2022-04-01.

Conditions:
DNAH17-related disorder. Also called: DNAH17-related condition.

Allele frequency attached by ClinVar (database versions not stated): ESP Exome Variant Server 0.00196; 1000 Genomes Project 0.00200; 1000 Genomes Project 30x 0.00219.
gnomAD v4.1: 805 of 1,561,112 alleles (0.052%); highest among the groups gnomAD compares: African/African-American, 0.73%; 3 homozygotes.

Submissions (2):

CeGaT Center for Human Genetics Tuebingen
Classification: Likely benign. Last evaluated: 2022-04-01. Review status: criteria provided, single submitter. Criteria: CeGaT Center For Human Genetics Tuebingen Variant Classification Criteria Version 2. Collection method: clinical testing. Allele origin: germline. Affected: yes. Observed: 1 variant allele.
Comment: DNAH17: BP4, BS2

PreventionGenetics, part of Exact Sciences
Classification: Likely benign for DNAH17-related condition. Last evaluated: 2019-05-24. Review status: no assertion criteria provided. Collection method: clinical testing. Allele origin: germline. Not counted in ClinVar's aggregate classification.
Comment: This variant is classified as likely benign based on ACMG/AMP sequence variant interpretation guidelines (Richards et al. 2015 PMID: 25741868, with internal and published modifications).

NM_173628.4(DNAH17):c.3508-5C>T

Gene: DNAH17 (dynein axonemal heavy chain 17; minus strand). Cytogenetic location: 17q25.3.
Variant type: single nucleotide variant.
Coding change: c.3508-5C>T on transcript NM_173628.4 (MANE Select); 5 bases into the intron before coding-DNA position 3508, C replaced by T.
Molecular consequence: intron variant.
Genome position (GRCh38, 1-based): chr17:78,527,001, G>A on the plus strand (C>T on the coding strand, the complement: DNAH17 is on the minus strand). VCF-style: chr17-78527001-G-A. GRCh37 (hg19) VCF-style: chr17-76523083-G-A.
Other names: c.3508-5C>T (NM_173628.3).
Identifiers: ClinVar variation 2648372 (VCV002648372.25), dbSNP rs113319497, ClinGen allele CA8804165.